The following is an entry in ClinVar:

ClinVar aggregate classification (germline): Uncertain significance (1 of 4 stars; one submission).

Allele frequency attached by ClinVar (database versions not stated): gnomAD 0.00001; TOPMed below 0.00001.

Submission:

Laboratory for Molecular Medicine, Mass General Brigham Personalized Medicine
Classification: Uncertain significance. Last evaluated: 2011-03-08. Review status: criteria provided, single submitter. Criteria: LMM Criteria. Collection method: clinical testing. Allele origin: germline. Observed: 1 variant allele.
Comment: Variant classified as Uncertain Significance - Favor Benign. The 25+6G>C variant has not been reported in the literature and has not been previously identified in any of the Caucasian individuals tested by our laboratory (n>250). This vari ant is located in the 5' splice region. Although it does not affect the highly c onserved +1 and +2 positions, positions +3 to +6 are part of the splicing consen sus sequence and variants involving these positions sometimes affect splicing. O f note, computer prediction tools (SpliceSiteFinder-like, MatEntScan, NNSplice) do not predict an effect but these tools have not been validated and their accur acy is unknown. In summary, this variant is less likely to be pathogenic but add itional data (healthy control studies, familial segregation) are needed to rule out a disease causing role.

NM_001330.5(CTF1):c.25+6G>C

Gene: CTF1 (cardiotrophin 1; plus strand). Cytogenetic location: 16p11.2.
Variant type: single nucleotide variant.
Coding change: c.25+6G>C on transcript NM_001330.5 (MANE Select); 6 bases into the intron after coding-DNA position 25, G replaced by C.
Molecular consequence: intron variant.
Genome position (GRCh38, 1-based): chr16:30,896,674, G>C. VCF-style: chr16-30896674-G-C. GRCh37 (hg19) VCF-style: chr16-30907995-G-C.
Other names: c.25+6G>C (NM_001142544.3).
Identifiers: ClinVar variation 44176 (VCV000044176.4), dbSNP rs397516647, ClinGen allele CA133719.
Genomic context (GRCh38, chr16:30,896,674, plus strand): 5'-GAAGGGAGCCGGGATCAGCCAGGGGCCAGCATGAGCCGGAGGGAGGGAAGTCTGGGTAAG[G>C]GGCTGAGGGACCGGACGCCGGGTCGCTGAGGGGCGCAGGAGTCAGAGGGATTGGGAGCTG-3'